The following is an entry in ClinVar:

NM_020937.4(FANCM):c.5578C>G (p.Arg1860Gly)

Gene: FANCM (FA complementation group M; plus strand). Cytogenetic location: 14q21.2.
Variant type: single nucleotide variant.
Coding change: c.5578C>G on transcript NM_020937.4 (MANE Select); coding-DNA position 5578, C replaced by G.
Protein change: p.Arg1860Gly; replaces arginine 1860 with glycine.
Molecular consequence: missense variant.
Genome position (GRCh38, 1-based): chr14:45,196,409, C>G. VCF-style: chr14-45196409-C-G. GRCh37 (hg19) VCF-style: chr14-45665612-C-G.
Other names: c.5500C>G, p.Arg1834Gly (NM_001308133.2); short protein forms R1834G, R1860G.
Identifiers: ClinVar variation 1434643 (VCV001434643.8), dbSNP rs139996409, ClinGen allele CA389586165.

ClinVar aggregate classification (germline): Uncertain significance (1 of 4 stars; one submission).

Conditions:
Fanconi anemia (FA). Also called: Fanconi's anemia. Identifiers: Orphanet 84, MedGen C0015625, MeSH D005199, MONDO:0019391.

Submission:

Labcorp Genetics (formerly Invitae), Labcorp
Classification: Uncertain significance for Fanconi anemia. Last evaluated: 2021-06-20. Review status: criteria provided, single submitter. Criteria: Invitae Variant Classification Sherloc (09022015). Collection method: clinical testing. Allele origin: germline.
Comment: Algorithms developed to predict the effect of missense changes on protein structure and function are either unavailable or do not agree on the potential impact of this missense change (SIFT: "Deleterious"; PolyPhen-2: "Probably Damaging"; Align-GVGD: "Class C0"). In summary, the available evidence is currently insufficient to determine the role of this variant in disease. Therefore, it has been classified as a Variant of Uncertain Significance. This variant has not been reported in the literature in individuals with FANCM-related conditions. This sequence change replaces arginine with glycine at codon 1860 of the FANCM protein (p.Arg1860Gly). The arginine residue is highly conserved and there is a moderate physicochemical difference between arginine and glycine. This variant is not present in population databases (ExAC no frequency).